The following is an entry in ClinVar:

ClinVar aggregate classification (germline): Pathogenic. Review status: criteria provided, multiple submitters, no conflicts (2 of 4 stars). 18 submissions from 18 submitters: Pathogenic (13). 5 of the submissions do not count toward it. Last evaluated 2026-06-01.

Conditions:
SHANK3-related disorder. Also called: SHANK3-related condition.
Neurodevelopmental abnormality. Identifiers: MedGen C4022737, HP:0012759.
Intellectual disability. Also called: Intellectual functioning disability; intellectual disabilities; Intellectual developmental disorder. Identifiers: MedGen C3714756, MeSH D008607, MONDO:0001071, HP:0001249.
Inborn genetic diseases. Identifiers: MedGen C0950123, MeSH D030342.
Phelan-McDermid syndrome. Also called: TELOMERIC 22q13 MONOSOMY SYNDROME; 22q13.3 deletion syndrome; Phelan-McDermid Syndrome-SHANK3 Related. Identifiers: Orphanet 48652, MedGen C1853490, MONDO:0011652, OMIM 606232.

Allele frequency attached by ClinVar (database versions not stated): gnomAD exomes below 0.00001; gnomAD 0.00001.

Submissions (18):

CeGaT Center for Human Genetics Tuebingen
Classification: Pathogenic. Last evaluated: 2026-06-01. Review status: criteria provided, single submitter. Criteria: CeGaT Center For Human Genetics Tuebingen Variant Classification Criteria Version 2. Collection method: clinical testing. Allele origin: germline. Affected: yes. Observed: 2 variant alleles.
Comment: SHANK3: PVS1, PM2, PS2:Moderate, PS4:Moderate

Institute of Human Genetics, University of Leipzig Medical Center
Classification: Pathogenic for Phelan-McDermid syndrome. Last evaluated: 2025-04-03. Review status: criteria provided, single submitter. Criteria: ACMG Guidelines, 2015. Collection method: clinical testing. Allele origin: unknown. Inheritance: Autosomal dominant inheritance. Affected: yes.
Comment: Criteria applied: PVS1,PS2_VSTR,PS1,PS4,PM2_SUP

Dasa
Classification: Pathogenic. Last evaluated: 2024-10-24. Review status: criteria provided, single submitter. Criteria: DASA Assertion Criteria. Collection method: clinical testing. Allele origin: germline.
Comment: NM_001372044.2(SHANK3):c.2490+1G>A affects a canonical splice site and is predicted to disrupt normal RNA splicing, leading to loss of normal protein function. Loss-of-function is an established mechanism of disease for this gene. De novo occurrence has been reported in an individual with related phenotype. This variant has been recurrently observed in individuals with related phenotype (PMID: 34369668; PMID: 34356170; PMID: 33816068; PMID: 27554343; PMID: 29719671). The variant is present at low frequency in population datasets. Based on the available data, this variant is classified as pathogenic.

Blueprint Genetics
Classification: Pathogenic for SHANK3-related disorders. Last evaluated: 2024-09-18. Review status: criteria provided, single submitter. Criteria: ACMG Guidelines, 2015. Collection method: clinical testing. Allele origin: germline. Affected: yes. Observed: 5 variant alleles.

Ambry Genetics
Classification: Pathogenic for Inborn genetic diseases. Last evaluated: 2024-07-23. Review status: criteria provided, single submitter. Criteria: Ambry Variant Classification Scheme 2023. Collection method: clinical testing. Allele origin: germline.
Comment: The c.2265+1G>A intronic variant results from a G to A substitution one nucleotide after coding exon 19 of the SHANK3 gene. Alterations that disrupt the canonical splice site are expected to cause aberrant splicing, resulting in an abnormal protein or a transcript that is subject to nonsense-mediated mRNA decay. Based on data from gnomAD, the A allele has an overall frequency of 0.001% (2/163960) total alleles studied. The SHANK3 c.2265+1G>A alteration was flagged as a low confidence call in the Genome Aggregation Database (gnomAD). This variant has been determined to be the result of a de novo mutation in one individual with features consistent with Phelan-McDermid syndrome (Li, 2018). This nucleotide position is highly conserved in available vertebrate species. In silico splice site analysis predicts that this alteration will weaken the native splice donor site. Based on the available evidence, this alteration is classified as pathogenic.

Institute of Immunology and Genetics Kaiserslautern
Classification: Pathogenic for Phelan-McDermid syndrome. Last evaluated: 2024-06-20. Review status: criteria provided, single submitter. Criteria: ACMG Guidelines, 2015. Collection method: clinical testing. Allele origin: germline. Affected: yes.
Comment: ACMG Criteria: PVS1, PS3, PM2_P, PP3, PP5; Variant was found in heterozygous state

Clinical Genetics Laboratory, Skane University Hospital Lund
Classification: Pathogenic for Neurodevelopmental abnormality. Last evaluated: 2024-06-14. Review status: criteria provided, single submitter. Criteria: ACMG Guidelines, 2015. Collection method: clinical testing. Allele origin: de novo. Inheritance: Autosomal dominant inheritance. Affected: yes.
Comment: PVS1, PS4

Institute of Medical Genetics and Applied Genomics, University Hospital Tübingen
Classification: Pathogenic for Phelan-McDermid syndrome. Last evaluated: 2023-12-19. Review status: criteria provided, single submitter. Criteria: ACMG Guidelines, 2015. Collection method: clinical testing. Allele origin: de novo. Inheritance: Autosomal dominant inheritance. Affected: yes.

3billion
Classification: Pathogenic for Phelan-McDermid syndrome. Last evaluated: 2023-08-16. Review status: criteria provided, single submitter. Criteria: ACMG Guidelines, 2015. Collection method: clinical testing. Allele origin: germline. Affected: yes.
Comment: The variant is observed at an extremely low frequency in the gnomAD v2.1.1 dataset (total allele frequency: 0.001%). Predicted Consequence/Location: Canonical splice site: predicted to alter splicing and result in a loss or disruption of normal protein function. Multiple pathogenic loss-of-function variants are reported downstream of the variant. The variant has been reported at least twice as pathogenic with clinical assertions and evidence for the classification (ClinVar ID: VCV000546923). Therefore, this variant is classified as Pathogenic according to the recommendation of ACMG/AMP guideline.

Baylor Genetics
Classification: Pathogenic for Phelan-McDermid syndrome. Last evaluated: 2022-07-10. Review status: criteria provided, single submitter. Criteria: ACMG Guidelines, 2015. Collection method: clinical testing. Allele origin: unknown.

GeneDx
Classification: Pathogenic. Last evaluated: 2022-03-29. Review status: criteria provided, single submitter. Criteria: GeneDx Variant Classification Process June 2021. Collection method: clinical testing. Allele origin: germline. Affected: yes.
Comment: Reported previously as c.2313+1G>A using alternate nomenclature in association with SHANK3-related disorders (Holder et al., 2016); Published functional studies demonstrate abnormal splicing and support instability of the resulting mRNA (Li et al., 2018); Canonical splice site variant in the 5' region of the gene where loss-of-function has not been definitively established as a disease mechanism (PMID 28179641); This variant is associated with the following publications: (PMID: 28263302, 25724810, 29719671, 29023665, 30537371, 27554343)

MGZ Medical Genetics Center
Classification: Pathogenic for Phelan-McDermid syndrome. Last evaluated: 2021-12-21. Review status: criteria provided, single submitter. Criteria: ACMG Guidelines, 2015. Collection method: clinical testing. Allele origin: germline. Affected: yes. Observed: 1 variant allele.
Comment: ACMG criteria applied: PVS1, PS2, PS3_MOD, PS4_MOD, PM2_SUP

Cambridge Genomics Laboratory, East Genomic Laboratory Hub, NHS Genomic Medicine Service
Classification: Pathogenic for Intellectual disability. Last evaluated: 2020-02-17. Review status: criteria provided, single submitter. Criteria: ACGS Best Practice Guidelines for Variant Classification in Rare Disease 2020. Collection method: clinical testing. Allele origin: germline. Affected: yes. Observed: 1 variant allele.

Clinical Genetics Laboratory, University Hospital Schleswig-Holstein
Classification: Pathogenic for Phelan-McDermid syndrome. Last evaluated: 2023-11-16. Review status: no assertion criteria provided. Collection method: clinical testing. Allele origin: germline. Affected: yes. Not counted in ClinVar's aggregate classification.

Clinical Genetics DNA and cytogenetics Diagnostics Lab, Erasmus MC, Erasmus Medical Center
Classification: Pathogenic. Review status: no assertion criteria provided. Collection method: clinical testing. Allele origin: germline. Affected: yes. Study: VKGL Data-share Consensus. Not counted in ClinVar's aggregate classification.

Diagnostic Laboratory, Department of Genetics, University Medical Center Groningen
Classification: Pathogenic. Review status: no assertion criteria provided. Collection method: clinical testing. Allele origin: germline. Affected: yes. Study: VKGL Data-share Consensus. Not counted in ClinVar's aggregate classification.

Joint Genome Diagnostic Labs from Nijmegen and Maastricht, Radboudumc and MUMC+
Classification: Pathogenic. Review status: no assertion criteria provided. Collection method: clinical testing. Allele origin: germline. Affected: yes. Study: VKGL Data-share Consensus. Not counted in ClinVar's aggregate classification.

Laboratory of Diagnostic Genome Analysis, Leiden University Medical Center (LUMC)
Classification: Pathogenic. Review status: no assertion criteria provided. Collection method: clinical testing. Allele origin: germline. Affected: yes. Study: VKGL Data-share Consensus. Not counted in ClinVar's aggregate classification.

Literature cited by the submitters: PubMed 34369668 (cited by Dasa); PubMed 34356170 (cited by Dasa); PubMed 33816068 (cited by Dasa); PubMed 27554343 (cited by Dasa); PubMed 29719671 (cited by Dasa); PubMed 5724810 (cited by Dasa); PubMed 31602316 (cited by Dasa); PubMed 30537371 (cited by Ambry Genetics).

NM_001372044.2(SHANK3):c.2455+1G>A

Gene: SHANK3 (SH3 and multiple ankyrin repeat domains 3; plus strand). Cytogenetic location: 22q13.33.
Variant type: single nucleotide variant.
Coding change: c.2455+1G>A on transcript NM_001372044.2 (MANE Select); the canonical splice donor site of the intron after coding-DNA position 2455, G replaced by A.
Molecular consequence: splice donor variant.
Genome position (GRCh38, 1-based): chr22:50,715,048, G>A. VCF-style: chr22-50715048-G-A. GRCh37 (hg19) VCF-style: chr22-51153476-G-A.
Other names: NM_001080420.1:c.2313+1G>A; c.2265+1G>A (NM_033517.1); c.2490+1G>A (NM_001372044.2).
Identifiers: ClinVar variation 546923 (VCV000546923.67), dbSNP rs1396379503, ClinGen allele CA640057574.